The following is an entry in ClinVar:

ClinVar aggregate classification (germline): other (0 of 4 stars; one submission).

Conditions:
Familial colorectal cancer. Identifiers: MedGen CN280943, MONDO:0023113. Disease mechanism: loss of function.

Allele frequency attached by ClinVar (database versions not stated): gnomAD 0.38731 and 0.40051; TOPMed 0.40505; 1000 Genomes Project 30x 0.43254; 1000 Genomes Project 0.43790.
gnomAD v4.1: 61,023 of 151,922 alleles (40%); highest among the groups gnomAD compares: East Asian, 67%; 14,773 homozygotes.

Submission:

Systems Biology Platform Zhejiang California International NanoSystems Institute
Classification: other for Familial colorectal cancer. Review status: no assertion criteria provided. Collection method: not provided. Allele origin: unknown.
ClinVar note: Converted during submission from cancer to other.

NM_000038.6(APC):c.135+1680T>G

Gene: APC (APC regulator of WNT signaling pathway; plus strand). Cytogenetic location: 5q22.2.
Variant type: single nucleotide variant.
Coding change: c.135+1680T>G on transcript NM_000038.6 (MANE Select); 1680 bases into the intron after coding-DNA position 135, T replaced by G.
Molecular consequence: intron variant.
Genome position (GRCh38, 1-based): chr5:112,756,705, T>G. VCF-style: chr5-112756705-T-G. GRCh37 (hg19) VCF-style: chr5-112092402-T-G.
Other names: c.135+1680T>G (NM_001354895.2, NM_001127510.3, NM_001354896.2 and 2 more transcripts); c.166-9621T>G (NM_001354897.2, NM_001354902.2, NM_001127511.3); c.61-9621T>G (NM_001354898.2, NM_001354904.2); c.-901+1680T>G (NM_001354906.2); c.-42-9621T>G (NM_001354900.2, NM_001354901.2, NM_001354905.2).
Identifiers: ClinVar variation 82824 (VCV000082824.2), dbSNP rs4705486, ClinGen allele CA004264.